The following is an entry in ClinVar:

NM_000214.3(JAG1):c.978G>C (p.Glu326Asp)

Gene: JAG1 (jagged canonical Notch ligand 1; minus strand). Cytogenetic location: 20p12.2.
Variant type: single nucleotide variant.
Coding change: c.978G>C on transcript NM_000214.3 (MANE Select); coding-DNA position 978, G replaced by C.
Protein change: p.Glu326Asp; replaces glutamic acid 326 with aspartic acid.
Molecular consequence: missense variant.
Genome position (GRCh38, 1-based): chr20:10,652,159, C>G on the plus strand (G>C on the coding strand, the complement: JAG1 is on the minus strand). VCF-style: chr20-10652159-C-G. GRCh37 (hg19) VCF-style: chr20-10632807-C-G.
Other names: short protein forms E326D.
Identifiers: ClinVar variation 4975090 (VCV004975090.2).

ClinVar aggregate classification (germline): Uncertain significance. Review status: criteria provided, multiple submitters, no conflicts (2 of 4 stars). 2 submissions from 2 submitters: Uncertain significance (2). Last evaluated 2026-03-04.

Conditions:
JAG1-related disorder. Also called: JAG1-related condition; JAG1-related disorders.

Submissions (2):

GeneDx
Classification: Uncertain significance. Last evaluated: 2026-03-04. Review status: criteria provided, single submitter. Criteria: GeneDx Variant Classification Process June 2021. Collection method: clinical testing. Allele origin: germline.
Comment: Not observed at significant frequency in large population cohorts (gnomAD); In silico analysis suggests that this missense variant does not alter protein structure/function; Has not been previously published as pathogenic or benign to our knowledge

PreventionGenetics, part of Exact Sciences
Classification: Uncertain significance for JAG1-related condition. Last evaluated: 2026-02-12. Review status: criteria provided, single submitter. Criteria: ACMG Guidelines, 2015. Collection method: clinical testing. Allele origin: germline.
Comment: The JAG1 c.978G>C variant is predicted to result in the amino acid substitution p.Glu326Asp. To our knowledge, this variant has not been reported in the literature in individuals with JAG1-related disease. This variant has not been reported in a large population database (gnomAD), indicating this variant is rare. Statistical evidence in gnomAD suggests the JAG1 gene is intolerant of missense variation. At this time, the clinical significance of this variant is uncertain due to the absence of conclusive functional and genetic evidence.